The following is an entry in ClinVar:

ClinVar aggregate classification (germline): Pathogenic (1 of 4 stars; one submission).

Conditions:
Glycine encephalopathy. Also called: Non-ketotic hyperglycinemia; Nonketotic hyperglycinemia. Identifiers: Orphanet 407, MedGen C0751748, MONDO:0011612, HP:0008288.

Allele frequency attached by ClinVar (database versions not stated): TOPMed below 0.00001.

Submission:

Labcorp Genetics (formerly Invitae), Labcorp
Classification: Pathogenic for Glycine encephalopathy. Last evaluated: 2023-07-24. Review status: criteria provided, single submitter. Criteria: Invitae Variant Classification Sherloc (09022015). Collection method: clinical testing. Allele origin: germline.
Comment: This sequence change creates a premature translational stop signal (p.Tyr537*) in the GLDC gene. It is expected to result in an absent or disrupted protein product. Loss-of-function variants in GLDC are known to be pathogenic (PMID: 16601880). This variant is not present in population databases (gnomAD no frequency). This premature translational stop signal has been observed in individual(s) with GLDC-related conditions (PMID: 27362913). ClinVar contains an entry for this variant (Variation ID: 2136739). For these reasons, this variant has been classified as Pathogenic.

Literature cited by the submitters: PubMed 16601880; PubMed 27362913.

NM_000170.3(GLDC):c.1611C>A (p.Tyr537Ter)

Gene: GLDC (glycine decarboxylase; minus strand). Cytogenetic location: 9p24.1.
Variant type: single nucleotide variant.
Coding change: c.1611C>A on transcript NM_000170.3 (MANE Select); coding-DNA position 1611, C replaced by A.
Protein change: p.Tyr537Ter; replaces tyrosine 537 with a stop codon.
Molecular consequence: nonsense.
Genome position (GRCh38, 1-based): chr9:6,588,672, G>T on the plus strand (C>A on the coding strand, the complement: GLDC is on the minus strand). VCF-style: chr9-6588672-G-T. GRCh37 (hg19) VCF-style: chr9-6588672-G-T.
Other names: short protein forms Y537*.
Identifiers: ClinVar variation 2136739 (VCV002136739.4), dbSNP rs1818317328, ClinGen allele CA372892789.